The following is an entry in ClinVar:

ClinVar aggregate classification (germline): Uncertain significance (1 of 4 stars; one submission).

Conditions:
Congenital myopathy with internal nuclei and atypical cores. Also called: Myopathy, centronuclear, 4. Identifiers: Orphanet 319160, MedGen C4707232, MONDO:0013890, OMIM 614807.

Allele frequency attached by ClinVar (database versions not stated): ExAC 0.00001; gnomAD 0.00001; TOPMed 0.00002; gnomAD exomes 0.00003; ESP Exome Variant Server 0.00008.
gnomAD v4.1: 34 of 1,604,166 alleles (0.0021%); highest among the groups gnomAD compares: Admixed American, 0.012%; no homozygotes.

Submission:

Labcorp Genetics (formerly Invitae), Labcorp
Classification: Uncertain significance for Congenital myopathy with internal nuclei and atypical cores. Last evaluated: 2025-10-02. Review status: criteria provided, single submitter. Criteria: Invitae Variant Classification Sherloc (09022015). Collection method: clinical testing. Allele origin: germline.
Comment: This sequence change replaces threonine, which is neutral and polar, with serine, which is neutral and polar, at codon 210 of the CCDC78 protein (p.Thr210Ser). This variant is present in population databases (rs375138705, gnomAD 0.006%). This variant has not been reported in the literature in individuals affected with CCDC78-related conditions. ClinVar contains an entry for this variant (Variation ID: 1057125). Invitae Evidence Modeling of protein sequence and biophysical properties (such as structural, functional, and spatial information, amino acid conservation, physicochemical variation, residue mobility, and thermodynamic stability) indicates that this missense variant is not expected to disrupt CCDC78 protein function with a negative predictive value of 80%. In summary, the available evidence is currently insufficient to determine the role of this variant in disease. Therefore, it has been classified as a Variant of Uncertain Significance.

NM_001378030.1(CCDC78):c.628A>T (p.Thr210Ser)

Gene: CCDC78 (coiled-coil domain containing 78; minus strand). Cytogenetic location: 16p13.3.
Variant type: single nucleotide variant.
Coding change: c.628A>T on transcript NM_001378030.1 (MANE Select); coding-DNA position 628, A replaced by T.
Protein change: p.Thr210Ser; replaces threonine 210 with serine.
Molecular consequence: missense variant. On other transcripts: non-coding transcript variant (5), intron variant (1).
Genome position (GRCh38, 1-based): chr16:724,922, T>A on the plus strand (A>T on the coding strand, the complement: CCDC78 is on the minus strand). VCF-style: chr16-724922-T-A. GRCh37 (hg19) VCF-style: chr16-774922-T-A.
Other names: c.628A>T, p.Thr210Ser (NM_001031737.3, NM_001378031.1); c.198+156A>T (NM_001378033.1); short protein forms T210S.
Identifiers: ClinVar variation 1057125 (VCV001057125.9), dbSNP rs375138705, ClinGen allele CA7789493.